The following is an entry in ClinVar:

ClinVar aggregate classification (germline): Uncertain significance (1 of 4 stars; one submission).

Conditions:
Rubinstein-Taybi syndrome (RSTS). Identifiers: Orphanet 783, MedGen C0035934, MONDO:0019188.

Submission:

Labcorp Genetics (formerly Invitae), Labcorp
Classification: Uncertain significance for Rubinstein-Taybi syndrome. Last evaluated: 2022-08-02. Review status: criteria provided, single submitter. Criteria: Invitae Variant Classification Sherloc (09022015). Collection method: clinical testing. Allele origin: germline.
Comment: This sequence change replaces glycine, which is neutral and non-polar, with aspartic acid, which is acidic and polar, at codon 2153 of the CREBBP protein (p.Gly2153Asp). This variant is not present in population databases (gnomAD no frequency). This variant has not been reported in the literature in individuals affected with CREBBP-related conditions. Advanced modeling of protein sequence and biophysical properties (such as structural, functional, and spatial information, amino acid conservation, physicochemical variation, residue mobility, and thermodynamic stability) performed at Invitae indicates that this missense variant is not expected to disrupt CREBBP protein function. In summary, the available evidence is currently insufficient to determine the role of this variant in disease. Therefore, it has been classified as a Variant of Uncertain Significance.

NM_004380.3(CREBBP):c.6458G>A (p.Gly2153Asp)

Gene: CREBBP (CREB binding lysine acetyltransferase; minus strand). Cytogenetic location: 16p13.3.
Variant type: single nucleotide variant.
Coding change: c.6458G>A on transcript NM_004380.3 (MANE Select); coding-DNA position 6458, G replaced by A.
Protein change: p.Gly2153Asp; replaces glycine 2153 with aspartic acid.
Molecular consequence: missense variant.
Genome position (GRCh38, 1-based): chr16:3,728,589, C>T on the plus strand (G>A on the coding strand, the complement: CREBBP is on the minus strand). VCF-style: chr16-3728589-C-T. GRCh37 (hg19) VCF-style: chr16-3778590-C-T.
Other names: c.6344G>A, p.Gly2115Asp (NM_001079846.1); short protein forms G2115D, G2153D.
Identifiers: ClinVar variation 1713477 (VCV001713477.5), dbSNP rs2151303865, ClinGen allele CA394552671.